The following is an entry in ClinVar:

ClinVar aggregate classification (germline): Uncertain significance (1 of 4 stars; one submission).

Conditions:
Muscular dystrophy-dystroglycanopathy (congenital with brain and eye anomalies), type a, 8 (MDDGA8). Also called: WALKER-WARBURG SYNDROME OR MUSCLE-EYE-BRAIN DISEASE, GTDC2-RELATED. Identifiers: Orphanet 899, MedGen C3553813, MONDO:0013904, OMIM 614830.

Submission:

Labcorp Genetics (formerly Invitae), Labcorp
Classification: Uncertain significance for Muscular dystrophy-dystroglycanopathy (congenital with brain and eye anomalies), type a, 8. Last evaluated: 2022-06-07. Review status: criteria provided, single submitter. Criteria: Invitae Variant Classification Sherloc (09022015). Collection method: clinical testing. Allele origin: germline.
Comment: In summary, the available evidence is currently insufficient to determine the role of this variant in disease. Therefore, it has been classified as a Variant of Uncertain Significance. Algorithms developed to predict the effect of missense changes on protein structure and function are either unavailable or do not agree on the potential impact of this missense change (SIFT: "Deleterious"; PolyPhen-2: "Probably Damaging"; Align-GVGD: "Class C15"). This variant has not been reported in the literature in individuals affected with POMGNT2-related conditions. This variant is not present in population databases (gnomAD no frequency). This sequence change replaces phenylalanine, which is neutral and non-polar, with leucine, which is neutral and non-polar, at codon 96 of the POMGNT2 protein (p.Phe96Leu).

NM_032806.6(POMGNT2):c.286T>C (p.Phe96Leu)

Gene: POMGNT2 (protein O-linked mannose N-acetylglucosaminyltransferase 2 (beta 1,4-); minus strand). Cytogenetic location: 3p22.1.
Variant type: single nucleotide variant.
Coding change: c.286T>C on transcript NM_032806.6 (MANE Select); coding-DNA position 286, T replaced by C.
Protein change: p.Phe96Leu; replaces phenylalanine 96 with leucine.
Molecular consequence: missense variant.
Genome position (GRCh38, 1-based): chr3:43,081,146, A>G on the plus strand (T>C on the coding strand, the complement: POMGNT2 is on the minus strand). VCF-style: chr3-43081146-A-G. GRCh37 (hg19) VCF-style: chr3-43122638-A-G.
Other names: short protein forms F96L.
Identifiers: ClinVar variation 2134841 (VCV002134841.4), dbSNP rs140047437, ClinGen allele CA352303548.